The following is an entry in ClinVar:

ClinVar aggregate classification (germline): Conflicting classifications of pathogenicity. Review status: criteria provided, conflicting classifications (1 of 4 stars). 3 submissions from 3 submitters: Uncertain significance (1); Likely benign (2). Last evaluated 2026-04-21.

Conditions:
Colorectal cancer, susceptibility to, 1. Also called: COLORECTAL ADENOMA AND CANCER, SUSCEPTIBILITY TO; COLORECTAL CANCER, SUSCEPTIBILITY TO, ON CHROMOSOME 9. Identifiers: MedGen C1837315, MONDO:0012132, OMIM 608812.

Allele frequency attached by ClinVar (database versions not stated): gnomAD exomes below 0.00001 and 0.00001; TOPMed 0.00002; gnomAD 0.00002; ExAC 0.00002.
gnomAD v4.1: 4 of 1,613,986 alleles (0.00025%); highest among the groups gnomAD compares: African/African-American, 0.0053%; no homozygotes.

Submissions (3):

Myriad Genetics, Inc.
Classification: Likely benign for Colorectal cancer, susceptibility to, 1. Last evaluated: 2026-04-21. Review status: criteria provided, single submitter. Criteria: Myriad Autosomal Dominant, Autosomal Recessive and X-Linked Classification Criteria (2023). Collection method: clinical testing. Allele origin: unknown.
Comment: This variant is considered likely benign. This variant is intronic and is not expected to impact mRNA splicing.

Labcorp Genetics (formerly Invitae), Labcorp
Classification: Likely benign. Last evaluated: 2024-07-06. Review status: criteria provided, single submitter. Criteria: Invitae Variant Classification Sherloc (09022015). Collection method: clinical testing. Allele origin: germline.

Ambry Genetics
Classification: Uncertain significance. Last evaluated: 2023-06-06. Review status: criteria provided, single submitter. Criteria: Ambry Variant Classification Scheme 2023. Collection method: clinical testing. Allele origin: germline.
Comment: The c.372-5T>C intronic variant results from a T to C substitution 5 nucleotides before coding exon 2 in the GALNT12 gene. This nucleotide position is well conserved in available vertebrate species. In silico splice site analysis for this alteration is inconclusive. The evidence for this gene-disease relationship is limited; therefore, the clinical significance of this alteration is unclear.

NM_024642.5(GALNT12):c.372-5T>C

Gene: GALNT12 (polypeptide N-acetylgalactosaminyltransferase 12; plus strand). Cytogenetic location: 9q22.33.
Variant type: single nucleotide variant.
Coding change: c.372-5T>C on transcript NM_024642.5 (MANE Select); 5 bases into the intron before coding-DNA position 372, T replaced by C.
Molecular consequence: intron variant.
Genome position (GRCh38, 1-based): chr9:98,823,251, T>C. VCF-style: chr9-98823251-T-C. GRCh37 (hg19) VCF-style: chr9-101585533-T-C.
Identifiers: ClinVar variation 824130 (VCV000824130.14), dbSNP rs774029336, ClinGen allele CA5153932.